The following is an entry in ClinVar:

ClinVar aggregate classification (germline): Uncertain significance (1 of 4 stars; one submission).

Conditions:
Congenital insensitivity to pain-hypohidrosis syndrome. Also called: HSAN VIII; Neuropathy, hereditary sensory and autonomic, type VIII. Identifiers: Orphanet 478664, MedGen C4225308, MONDO:0014662, OMIM 616488.

Allele frequency attached by ClinVar (database versions not stated): gnomAD exomes below 0.00001.
gnomAD v4.1: 1 of 1,248,172 alleles (0.00008%); highest among the groups gnomAD compares: Non-Finnish European, 0.0001%; no homozygotes.

Submission:

Labcorp Genetics (formerly Invitae), Labcorp
Classification: Uncertain significance for Congenital insensitivity to pain-hypohidrosis syndrome. Last evaluated: 2019-07-08. Review status: criteria provided, single submitter. Criteria: Invitae Variant Classification Sherloc (09022015). Collection method: clinical testing. Allele origin: germline.
Comment: In summary, the available evidence is currently insufficient to determine the role of this variant in disease. Therefore, it has been classified as a Variant of Uncertain Significance. Algorithms developed to predict the effect of missense changes on protein structure and function are either unavailable or do not agree on the potential impact of this missense change (SIFT: "Tolerated"; PolyPhen-2: "Not available"; Align-GVGD: "Class C0"). This variant has not been reported in the literature in individuals with PRDM12-related conditions. The frequency data for this variant in the population databases is considered unreliable, as metrics indicate insufficient coverage at this position in the ExAC database. This sequence change replaces alanine with valine at codon 329 of the PRDM12 protein (p.Ala329Val). The alanine residue is weakly conserved and there is a small physicochemical difference between alanine and valine.

NM_021619.3(PRDM12):c.986C>T (p.Ala329Val)

Gene: PRDM12 (PR/SET domain 12; plus strand). Cytogenetic location: 9q34.12.
Variant type: single nucleotide variant.
Coding change: c.986C>T on transcript NM_021619.3 (MANE Select); coding-DNA position 986, C replaced by T.
Protein change: p.Ala329Val; replaces alanine 329 with valine.
Molecular consequence: missense variant.
Genome position (GRCh38, 1-based): chr9:130,681,551, C>T. VCF-style: chr9-130681551-C-T. GRCh37 (hg19) VCF-style: chr9-133556938-C-T.
Other names: short protein forms A329V.
Identifiers: ClinVar variation 944616 (VCV000944616.9), dbSNP rs1238828425, ClinGen allele CA375245123.
Genomic context (GRCh38, chr9:130,681,551, plus strand): 5'-CGCAGCTGGCCGGCCTGCGCGCCCACCAGAAGAGCGCGCGGCACCGGCCGCCCAGCACCG[C>T]GCTGCAGGCACACTCGCCCGCGCTGCCCGCCCCGCACGCGCACGCGCCCGCGCTCGCCGC-3'
Protein context (NP_067632.2, residues 319-339): KSARHRPPST[Ala329Val]LQAHSPALPA